The following is an entry in ClinVar:

NM_001085458.2(CTNND1):c.2631A>G (p.Gln877=)

Genes: CTNND1 (catenin delta 1; plus strand), TMX2-CTNND1 (TMX2-CTNND1 readthrough (NMD candidate); plus strand). Cytogenetic location: 11q12.1.
Variant type: single nucleotide variant.
Coding change: c.2631A>G on transcript NM_001085458.2 (MANE Select); coding-DNA position 2631, A replaced by G.
Protein change: p.Gln877=; no amino-acid change (glutamine 877 retained).
Molecular consequence: synonymous variant. On other transcripts: non-coding transcript variant (1).
Genome position (GRCh38, 1-based): chr11:57,811,479, A>G. VCF-style: chr11-57811479-A-G. GRCh37 (hg19) VCF-style: chr11-57578951-A-G.
Other names: c.2613A>G, p.Gln871= (NM_001085459.2, NM_001085460.2, NM_001085461.2 and 2 more transcripts); c.2328A>G, p.Gln776= (NM_001085463.2, NM_001085466.2); c.2310A>G, p.Gln770= (NM_001085464.2, NM_001085465.2, NM_001085467.2 and 3 more transcripts); c.2469A>G, p.Gln823= (NM_001206883.2, NM_001206884.2); c.2631A>G, p.Gln877= (NM_001206885.2); c.2451A>G, p.Gln817= (NM_001206886.2, NM_001206887.2, NM_001206888.2 and 2 more transcripts).
Identifiers: ClinVar variation 2641800 (VCV002641800.26), dbSNP rs372087192, ClinGen allele CA6010729.

ClinVar aggregate classification (germline): Likely benign. Review status: criteria provided, multiple submitters, no conflicts (2 of 4 stars). 2 submissions from 2 submitters: Likely benign (2). Last evaluated 2024-01-02.

Allele frequency attached by ClinVar (database versions not stated): ESP Exome Variant Server 0.00008; gnomAD exomes 0.00008; ExAC 0.00003; TOPMed 0.00009; gnomAD 0.00010; 1000 Genomes Project 0.00020; 1000 Genomes Project 30x 0.00031.
gnomAD v4.1: 136 of 1,611,852 alleles (0.0084%); highest among the groups gnomAD compares: Middle Eastern, 0.12%; 1 homozygote.

Submissions (2):

Labcorp Genetics (formerly Invitae), Labcorp
Classification: Likely benign. Last evaluated: 2024-01-02. Review status: criteria provided, single submitter. Criteria: Invitae Variant Classification Sherloc (09022015). Collection method: clinical testing. Allele origin: germline.

CeGaT Center for Human Genetics Tuebingen
Classification: Likely benign. Last evaluated: 2022-12-01. Review status: criteria provided, single submitter. Criteria: CeGaT Center For Human Genetics Tuebingen Variant Classification Criteria Version 2. Collection method: clinical testing. Allele origin: germline. Affected: yes. Observed: 1 variant allele.
Comment: CTNND1: BP4, BP7